The following is an entry in ClinVar:

NM_015267.4(CUX2):c.1638C>T (p.Pro546=)

Gene: CUX2 (cut like homeobox 2; plus strand). Cytogenetic location: 12q24.12.
Variant type: single nucleotide variant.
Coding change: c.1638C>T on transcript NM_015267.4 (MANE Select); coding-DNA position 1638, C replaced by T.
Protein change: p.Pro546=; no amino-acid change (proline 546 retained).
Molecular consequence: synonymous variant.
Genome position (GRCh38, 1-based): chr12:111,310,420, C>T. VCF-style: chr12-111310420-C-T. GRCh37 (hg19) VCF-style: chr12-111748224-C-T.
Other names: c.1452C>T, p.Pro484= (NM_001370598.1).
Identifiers: ClinVar variation 4822195 (VCV004822195.4).

ClinVar aggregate classification (germline): Likely benign (1 of 4 stars; one submission).

gnomAD v4.1: 47 of 1,611,658 alleles (0.0029%); highest among the groups gnomAD compares: Non-Finnish European, 0.0039%; no homozygotes.

Submission:

CeGaT Center for Human Genetics Tuebingen
Classification: Likely benign. Last evaluated: 2026-03-01. Review status: criteria provided, single submitter. Criteria: CeGaT Center For Human Genetics Tuebingen Variant Classification Criteria Version 2. Collection method: clinical testing. Allele origin: germline. Affected: yes. Observed: 1 variant allele.
Comment: CUX2: BP4, BP7